The following is an entry in ClinVar:

ClinVar aggregate classification (germline): Uncertain significance (1 of 4 stars; one submission).

Conditions:
PKD1-related disorder. Also called: PKD1-related condition.

Submission:

PreventionGenetics, part of Exact Sciences
Classification: Uncertain significance for PKD1-related condition. Last evaluated: 2024-10-28. Review status: criteria provided, single submitter. Criteria: ACMG Guidelines, 2015. Collection method: clinical testing. Allele origin: germline.
Comment: The PKD1 c.8641G>T variant is predicted to result in the amino acid substitution p.Asp2881Tyr. To our knowledge, this variant has not been reported in the literature or in a large population database (gnomAD), indicating this variant is rare. At this time, the clinical significance of this variant is uncertain due to the absence of conclusive functional and genetic evidence.

NM_001009944.3(PKD1):c.8641G>T (p.Asp2881Tyr)

Gene: PKD1 (polycystin 1, transient receptor potential channel interacting; minus strand). Cytogenetic location: 16p13.3.
Variant type: single nucleotide variant.
Coding change: c.8641G>T on transcript NM_001009944.3 (MANE Select); coding-DNA position 8641, G replaced by T.
Protein change: p.Asp2881Tyr; replaces aspartic acid 2881 with tyrosine.
Molecular consequence: missense variant.
Genome position (GRCh38, 1-based): chr16:2,103,416, C>A on the plus strand (G>T on the coding strand, the complement: PKD1 is on the minus strand). VCF-style: chr16-2103416-C-A. GRCh37 (hg19) VCF-style: chr16-2153417-C-A.
Other names: c.8641G>T, p.Asp2881Tyr (NM_000296.4); short protein forms D2881Y.
Identifiers: ClinVar variation 4996873 (VCV004996873.1).